The following is an entry in ClinVar:

ClinVar aggregate classification (germline): Uncertain significance (1 of 4 stars; one submission).

Submission:

Ambry Genetics
Classification: Uncertain significance. Last evaluated: 2024-06-20. Review status: criteria provided, single submitter. Criteria: Ambry Variant Classification Scheme 2023. Collection method: clinical testing. Allele origin: germline.
Comment: The p.C274Y variant (also known as c.821G>A), located in coding exon 4 of the MNDA gene, results from a G to A substitution at nucleotide position 821. The cysteine at codon 274 is replaced by tyrosine, an amino acid with highly dissimilar properties. This amino acid position is conserved. In addition, this alteration is predicted to be tolerated by in silico analysis. Based on the available evidence, the clinical significance of this variant remains unclear.

NM_002432.3(MNDA):c.821G>A (p.Cys274Tyr)

Gene: MNDA (myeloid cell nuclear differentiation antigen; plus strand). Cytogenetic location: 1q23.1.
Variant type: single nucleotide variant.
Coding change: c.821G>A on transcript NM_002432.3 (MANE Select); coding-DNA position 821, G replaced by A.
Protein change: p.Cys274Tyr; replaces cysteine 274 with tyrosine.
Molecular consequence: missense variant.
Genome position (GRCh38, 1-based): chr1:158,845,837, G>A. VCF-style: chr1-158845837-G-A. GRCh37 (hg19) VCF-style: chr1-158815627-G-A.
Other names: short protein forms C274Y.
Identifiers: ClinVar variation 3295460 (VCV003295460.1).
Genomic context (GRCh38, chr1:158,845,837, plus strand): 5'-TCAACTTGAAAGAGAAATTTGTAAGGAAGAAGGTCATTACCATATCTGATTACTCTGAAT[G>A]TAAAGGAGTAATGGAAATAAAGGAAGCATCATCTGTGTCTGACTTTAATCAAAATTTTGA-3'
Protein context (NP_002423.1, residues 264-284): KVITISDYSE[Cys274Tyr]KGVMEIKEAS